The following is an entry in ClinVar:

NM_000038.6(APC):c.4666A>T (p.Thr1556Ser)

Gene: APC (APC regulator of Wnt signaling pathway; plus strand). Cytogenetic location: 5q22.2.
Variant type: single nucleotide variant.
Coding change: c.4666A>T on transcript NM_000038.6 (MANE Select); coding-DNA position 4666, A replaced by T.
Protein change: p.Thr1556Ser; replaces threonine 1556 with serine.
Molecular consequence: missense variant.
Genome position (GRCh38, 1-based): chr5:112,840,260, A>T. VCF-style: chr5-112840260-A-T. GRCh37 (hg19) VCF-style: chr5-112175957-A-T.
Other names: c.4666A>T, p.Thr1556Ser (NM_001127510.3, NM_001354895.2); c.4612A>T, p.Thr1538Ser (NM_001127511.3); c.4720A>T, p.Thr1574Ser (NM_001354896.2); c.4696A>T, p.Thr1566Ser (NM_001354897.2); c.4591A>T, p.Thr1531Ser (NM_001354898.2); c.4582A>T, p.Thr1528Ser (NM_001354899.2); c.4543A>T, p.Thr1515Ser (NM_001354900.2); c.4489A>T, p.Thr1497Ser (NM_001354901.2); and 5 more; short protein forms T1273S, T1396S, T1430S, T1455S, T1465S, T1497S, T1515S, T1528S.
Identifiers: ClinVar variation 1001543 (VCV001001543.14), dbSNP rs769631477, ClinGen allele CA16031563.

ClinVar aggregate classification (germline): Uncertain significance. Review status: criteria provided, multiple submitters, no conflicts (2 of 4 stars). 3 submissions from 3 submitters: Uncertain significance (3). Last evaluated 2024-08-26.

Conditions:
Hereditary cancer-predisposing syndrome. Also called: Neoplastic Syndromes, Hereditary; Tumor predisposition; Hereditary Cancer Syndrome; Hereditary neoplastic syndrome. Identifiers: Orphanet 140162, MedGen C0027672, MeSH D009386, MONDO:0015356.
Familial adenomatous polyposis 1 (FAP1). Also called: FAMILIAL ADENOMATOUS POLYPOSIS 1, ATTENUATED; POLYPOSIS, ADENOMATOUS INTESTINAL. Identifiers: MedGen C2713442, MONDO:0021056, OMIM 175100. Disease mechanism: loss of function.

gnomAD v4.1: 2 of 1,614,132 alleles (0.00012%); highest among the groups gnomAD compares: Non-Finnish European, 0.00017%; no homozygotes.

Submissions (3):

Labcorp Genetics (formerly Invitae), Labcorp
Classification: Uncertain significance for Familial adenomatous polyposis 1. Last evaluated: 2024-08-26. Review status: criteria provided, single submitter. Criteria: Invitae Variant Classification Sherloc (09022015). Collection method: clinical testing. Allele origin: germline.
Comment: This sequence change replaces threonine, which is neutral and polar, with serine, which is neutral and polar, at codon 1556 of the APC protein (p.Thr1556Ser). This variant is not present in population databases (gnomAD no frequency). This variant has not been reported in the literature in individuals affected with APC-related conditions. ClinVar contains an entry for this variant (Variation ID: 1001543). Invitae Evidence Modeling of protein sequence and biophysical properties (such as structural, functional, and spatial information, amino acid conservation, physicochemical variation, residue mobility, and thermodynamic stability) indicates that this missense variant is not expected to disrupt APC protein function with a negative predictive value of 95%. In summary, the available evidence is currently insufficient to determine the role of this variant in disease. Therefore, it has been classified as a Variant of Uncertain Significance.

Ambry Genetics
Classification: Uncertain significance for Hereditary cancer-predisposing syndrome. Last evaluated: 2023-03-10. Review status: criteria provided, single submitter. Criteria: Ambry Variant Classification Scheme 2023. Collection method: clinical testing. Allele origin: germline.
Comment: The p.T1556S variant (also known as c.4666A>T), located in coding exon 15 of the APC gene, results from an A to T substitution at nucleotide position 4666. The threonine at codon 1556 is replaced by serine, an amino acid with similar properties. This amino acid position is poorly conserved in available vertebrate species. In addition, in silico predictors for this gene do not accurately predict pathogenicity. Since supporting evidence is limited at this time, the clinical significance of this alteration remains unclear.

GeneDx
Classification: Uncertain significance. Last evaluated: 2020-09-08. Review status: criteria provided, single submitter. Criteria: GeneDx Variant Classification Process June 2021. Collection method: clinical testing. Allele origin: germline. Affected: yes.
Comment: Not observed in large population cohorts (Lek 2016); In silico analysis supports that this missense variant does not alter protein structure/function; Has not been previously published as pathogenic or benign to our knowledge